The following is an entry in ClinVar:

ClinVar aggregate classification (germline): Benign/Likely benign. Review status: criteria provided, multiple submitters, no conflicts (2 of 4 stars). 23 submissions from 22 submitters: Benign (16); Likely benign (3). 4 of the submissions do not count toward it. Last evaluated 2026-10-01.

Conditions:
Tuberous sclerosis 1 (TSC1). Identifiers: Orphanet 805, MedGen C1854465, MONDO:0008612, OMIM 191100.
Lymphangiomyomatosis (LAM). Also called: Lymphangioleiomyomatosis; Lymphangioleiomyomatosis, somatic. Identifiers: Orphanet 538, MedGen C0751674, MONDO:0011705, OMIM 606690.
Isolated focal cortical dysplasia type II (FCORD2). Also called: Focal cortical dysplasia type II; CORTICAL DYSPLASIA OF TAYLOR. Identifiers: Orphanet 268994, MedGen C1846385, MONDO:0011818, OMIM 607341, HP:0032051.
Hereditary cancer-predisposing syndrome. Also called: Neoplastic Syndromes, Hereditary; Tumor predisposition; Hereditary Cancer Syndrome; Hereditary neoplastic syndrome. Identifiers: Orphanet 140162, MedGen C0027672, MeSH D009386, MONDO:0015356.
Tuberous sclerosis syndrome (TSC). Also called: Tuberous Sclerosis Complex; Tuberous sclerosis. Identifiers: Orphanet 805, MedGen C0041341, MONDO:0001734.

Allele frequency attached by ClinVar (database versions not stated): gnomAD exomes 0.00095 and 0.00176; ExAC 0.00180; gnomAD 0.00431 and 0.00461; 1000 Genomes Project 0.00479; 1000 Genomes Project 30x 0.00484; ESP Exome Variant Server 0.00492; TOPMed 0.00505.
gnomAD v4.1: 2,133 of 1,614,220 alleles (0.13%); highest among the groups gnomAD compares: African/African-American, 1.3%; 9 homozygotes.

Submissions (23):

CeGaT Center for Human Genetics Tuebingen
Classification: Likely benign. Last evaluated: 2026-10-01. Review status: criteria provided, single submitter. Criteria: CeGaT Center For Human Genetics Tuebingen Variant Classification Criteria Version 2. Collection method: clinical testing. Allele origin: germline. Affected: yes. Observed: 32 variant alleles.
Comment: TSC1: BP4, BS1

Labcorp Genetics (formerly Invitae), Labcorp
Classification: Benign for Tuberous sclerosis 1. Last evaluated: 2026-02-03. Review status: criteria provided, single submitter. Criteria: Invitae Variant Classification Sherloc (09022015). Collection method: clinical testing. Allele origin: germline.

Mayo Clinic Laboratories, Mayo Clinic
Classification: Likely benign. Last evaluated: 2025-11-27. Review status: criteria provided, single submitter. Criteria: ACMG Guidelines, 2015. Collection method: clinical testing. Allele origin: germline. Observed: 7 variant alleles.
Comment: BS1, BP4, BP7

Quest Diagnostics Nichols Institute San Juan Capistrano
Classification: Benign. Last evaluated: 2025-07-15. Review status: criteria provided, single submitter. Criteria: Quest Diagnostics criteria. Collection method: clinical testing. Allele origin: unknown.

Myriad Genetics, Inc.
Classification: Benign for Tuberous sclerosis 1. Last evaluated: 2025-04-30. Review status: criteria provided, single submitter. Criteria: Myriad Autosomal Dominant, Autosomal Recessive and X-Linked Classification Criteria (2023). Collection method: clinical testing. Allele origin: unknown.
Comment: This variant is considered benign. This variant is a silent/synonymous amino acid change and it is not expected to impact splicing.

Blueprint Genetics
Classification: Likely benign. Last evaluated: 2024-11-27. Review status: criteria provided, single submitter. Criteria: ACMG Guidelines, 2015. Collection method: clinical testing. Allele origin: germline.

Department of Pathology and Laboratory Medicine, Sinai Health System
Classification: Benign for Tuberous sclerosis 1; Lymphangiomyomatosis; Isolated focal cortical dysplasia type II. Last evaluated: 2023-09-15. Review status: criteria provided, single submitter. Criteria: ACMG Guidelines, 2015. Collection method: clinical testing. Allele origin: germline. Affected: yes.

ARUP Laboratories, Molecular Genetics and Genomics, ARUP Laboratories
Classification: Benign. Last evaluated: 2023-08-02. Review status: criteria provided, single submitter. Criteria: ARUP Molecular Germline Variant Investigation Process 2024. Collection method: clinical testing. Allele origin: germline.

KCCC/NGS Laboratory, Kuwait Cancer Control Center
Classification: Benign for Tuberous sclerosis 1. Last evaluated: 2023-07-07. Review status: criteria provided, single submitter. Criteria: ACMG Guidelines, 2015. Collection method: clinical testing. Allele origin: germline. Affected: yes.

Color Diagnostics, LLC DBA Color Health
Classification: Benign for Tuberous sclerosis syndrome. Last evaluated: 2022-09-30. Review status: criteria provided, single submitter. Criteria: ACMG Guidelines, 2015. Collection method: clinical testing. Allele origin: germline.

Genome-Nilou Lab
Classification: Benign for Tuberous sclerosis 1. Last evaluated: 2021-11-07. Review status: criteria provided, single submitter. Criteria: ACMG Guidelines, 2015. Collection method: clinical testing. Allele origin: germline. Affected: no.

Genetic Services Laboratory, University of Chicago
Classification: Benign. Last evaluated: 2020-10-23. Review status: criteria provided, single submitter. Criteria: ACMG Guidelines, 2015. Collection method: clinical testing. Allele origin: germline. Affected: no.

Illumina Laboratory Services, Illumina
Classification: Benign for Tuberous sclerosis 1. Last evaluated: 2018-01-13. Review status: criteria provided, single submitter. Criteria: ICSL Variant Classification Criteria 13 December 2019. Collection method: clinical testing. Allele origin: germline.
Comment: This variant was observed in the ICSL laboratory as part of a predisposition screen in an ostensibly healthy population. It had not been previously curated by ICSL or reported in the Human Gene Mutation Database (HGMD: prior to June 1st, 2018), and was therefore a candidate for classification through an automated scoring system. Utilizing variant allele frequency, disease prevalence and penetrance estimates, and inheritance mode, an automated score was calculated to assess if this variant is too frequent to cause the disease. Based on the score and internal cut-off values, a variant classified as benign is not then subjected to further curation. The score for this variant resulted in a classification of benign for this disease.

Illumina Laboratory Services, Illumina
Classification: Benign for Isolated focal cortical dysplasia type II. Last evaluated: 2018-01-13. Review status: criteria provided, single submitter. Criteria: ICSL Variant Classification Criteria 13 December 2019. Collection method: clinical testing. Allele origin: germline.
Comment: the same text as in the submission from Illumina Laboratory Services, Illumina above.

Athena Diagnostics
Classification: Benign for Tuberous sclerosis 1. Last evaluated: 2017-05-30. Review status: criteria provided, single submitter. Criteria: Athena Diagnostics Criteria. Collection method: clinical testing. Allele origin: germline.

Ambry Genetics
Classification: Benign for Hereditary cancer-predisposing syndrome. Last evaluated: 2015-04-20. Review status: criteria provided, single submitter. Criteria: Ambry Variant Classification Scheme 2023. Collection method: clinical testing. Allele origin: germline.

GeneDx
Classification: Benign. Last evaluated: 2015-03-03. Review status: criteria provided, single submitter. Criteria: GeneDx Variant Classification Process June 2021. Collection method: clinical testing. Allele origin: germline. Affected: yes.

Laboratory for Molecular Medicine, Mass General Brigham Personalized Medicine
Classification: Benign. Last evaluated: 2013-02-21. Review status: criteria provided, single submitter. Criteria: LMM Criteria. Collection method: clinical testing. Allele origin: germline. Observed: 1 variant allele.
Comment: Glu1094Glu in exon 23 of TSC1: This variant is not expected to have clinical sig nificance because it does not alter an amino acid residue and is not located wit hin the splice consensus sequence. It has been identified in 1.3% (58/4406) of A frican American chromosomes from a broad population by the NHLBI Exome Sequencin g Project (dbSNP rs116747861).

Breakthrough Genomics
Classification: Benign. Review status: criteria provided, single submitter. Criteria: ACMG Guidelines, 2015. Collection method: not provided. Allele origin: germline. Inheritance: Autosomal dominant inheritance. Affected: yes.

Clinical Genetics DNA and cytogenetics Diagnostics Lab, Erasmus MC, Erasmus Medical Center
Classification: Benign. Review status: no assertion criteria provided. Collection method: clinical testing. Allele origin: germline. Affected: yes. Study: VKGL Data-share Consensus. Not counted in ClinVar's aggregate classification.

Clinical Genetics, Academic Medical Center
Classification: Benign. Review status: no assertion criteria provided. Collection method: clinical testing. Allele origin: germline. Affected: yes. Study: VKGL Data-share Consensus. Not counted in ClinVar's aggregate classification.

Genome Diagnostics Laboratory, Amsterdam University Medical Center
Classification: Benign. Review status: no assertion criteria provided. Collection method: clinical testing. Allele origin: germline. Affected: yes. Study: VKGL Data-share Consensus. Not counted in ClinVar's aggregate classification.

Tuberous sclerosis database (TSC1)
No classification provided. Condition: TSC. Review status: no classification provided. Criteria: Tuberous Sclerosis Database Assertion Criteria 2015. Collection method: curation. Allele origin: germline. Affected: yes. Not counted in ClinVar's aggregate classification.

Literature cited by the submitters: PubMed 9328481 (cited by Athena Diagnostics); PubMed 9924605 (cited by Athena Diagnostics); PubMed 10363127 (cited by Athena Diagnostics).

NM_000368.5(TSC1):c.3282G>A (p.Glu1094=)

Gene: TSC1 (TSC complex subunit 1; minus strand). Cytogenetic location: 9q34.13.
Variant type: single nucleotide variant.
Coding change: c.3282G>A on transcript NM_000368.5 (MANE Select); coding-DNA position 3282, G replaced by A.
Protein change: p.Glu1094=; no amino-acid change (glutamic acid 1094 retained).
Molecular consequence: synonymous variant.
Genome position (GRCh38, 1-based): chr9:132,896,448, C>T on the plus strand (G>A on the coding strand, the complement: TSC1 is on the minus strand). VCF-style: chr9-132896448-C-T. GRCh37 (hg19) VCF-style: chr9-135771835-C-T.
Other names: p.Glu1094=; c.3279G>A, p.Glu1093= (NM_001162426.2); c.3129G>A, p.Glu1043= (NM_001162427.2); c.2919G>A, p.Glu973= (NM_001362177.2).
Identifiers: ClinVar variation 49019 (VCV000049019.75), dbSNP rs116747861, ClinGen allele CA007299.
Genomic context (GRCh38, chr9:132,896,448, plus strand): 5'-AGAAAGGCTACTGGTCATGCCGTCCTCATCACACTGGCTCTCGCTCTTATTACGAAATAA[C>T]TCTCGAGCCTTCATACCCAGGAAGCTTTTTGAACTGGGAAGTGAGCCCACAGTGGTGGGG-3'
Protein context (NP_000359.1, residues 1084-1104): SKSFLGMKAR[Glu1094=]LFRNKSESQC